The following is an entry in ClinVar:

NM_001371623.1(TCOF1):c.1046G>A (p.Ser349Asn)

Gene: TCOF1 (treacle ribosome biogenesis factor 1; plus strand). Cytogenetic location: 5q32.
Variant type: single nucleotide variant.
Coding change: c.1046G>A on transcript NM_001371623.1 (MANE Select); coding-DNA position 1046, G replaced by A.
Protein change: p.Ser349Asn; replaces serine 349 with asparagine.
Molecular consequence: missense variant.
Genome position (GRCh38, 1-based): chr5:150,374,349, G>A. VCF-style: chr5-150374349-G-A. GRCh37 (hg19) VCF-style: chr5-149753912-G-A.
Other names: c.815G>A, p.Ser272Asn (NM_000356.4, NM_001135245.2, NM_001437406.1); c.1046G>A, p.Ser349Asn (NM_001008657.3, NM_001135243.2, NM_001135244.2 and 1 more transcripts); short protein forms S272N, S349N.
Identifiers: ClinVar variation 4721958 (VCV004721958.1).
Genomic context (GRCh38, chr5:150,374,349, plus strand): 5'-AGACCAAGGCAGGGAAGCCAGAGGAGGACTCAGAGAGCAGCAGCGAGGAGTCATCTGACA[G>A]TGAGGAGGAGACGCCAGCTGCCAAGGCCCTGCTTCAGGTGAGGCCTGAGGAGGGAGACTC-3'
Protein context (NP_001358552.1, residues 339-359): SESSSEESSD[Ser349Asn]EEETPAAKAL

ClinVar aggregate classification (germline): Uncertain significance (1 of 4 stars; one submission).

Conditions:
Treacher Collins syndrome 1 (TCS1). Also called: TCOF1-Related Treacher Collins Syndrome. Identifiers: Orphanet 861, MedGen CN315775, MONDO:0007944, OMIM 154500.

gnomAD v4.1: 1 of 1,562,178 alleles (0.000064%); highest among the groups gnomAD compares: Middle Eastern, 0.017%; no homozygotes.

Submission:

Labcorp Genetics (formerly Invitae), Labcorp
Classification: Uncertain significance for Treacher Collins syndrome 1. Last evaluated: 2025-04-30. Review status: criteria provided, single submitter. Criteria: Invitae Variant Classification Sherloc (09022015). Collection method: clinical testing. Allele origin: germline.
Comment: This sequence change replaces serine, which is neutral and polar, with asparagine, which is neutral and polar, at codon 349 of the TCOF1 protein (p.Ser349Asn). This variant is not present in population databases (gnomAD no frequency). This variant has not been reported in the literature in individuals affected with TCOF1-related conditions. Invitae Evidence Modeling of protein sequence and biophysical properties (such as structural, functional, and spatial information, amino acid conservation, physicochemical variation, residue mobility, and thermodynamic stability) indicates that this missense variant is not expected to disrupt TCOF1 protein function with a negative predictive value of 80%. In summary, the available evidence is currently insufficient to determine the role of this variant in disease. Therefore, it has been classified as a Variant of Uncertain Significance.